The following is an entry in ClinVar:

NC_000006.11:g.(?_64694266)_(64694506_?)dup

Gene: EYS (eyes shut homolog; minus strand). Cytogenetic location: 6q12.
Variant type: Duplication.
Identifiers: ClinVar variation 1503642 (VCV001503642.4).

ClinVar aggregate classification (germline): Likely pathogenic (1 of 4 stars; one submission).

Submission:

Labcorp Genetics (formerly Invitae), Labcorp
Classification: Likely pathogenic. Last evaluated: 2023-08-21. Review status: criteria provided, single submitter. Criteria: Invitae Variant Classification Sherloc (09022015). Collection method: clinical testing. Allele origin: germline.
Comment: This variant results in a copy number gain of the genomic region encompassing exon(s) 35 of the EYS gene. While the exact position of this variant cannot be determined from the data, sub-genic copy number gains are generally in tandem (PMID: 25640679). This variant is predicted to be out-of-frame, and may result in an absent or disrupted protein product. Loss-of-function variants in EYS are known to be pathogenic (PMID: 18836446, 20333770). A similar copy number variant has been observed in individual(s) with EYS-related conditions (PMID: 30543658). In summary, the currently available evidence indicates that the variant is pathogenic, but additional data are needed to prove that conclusively. Therefore, this variant has been classified as Likely Pathogenic.

Literature cited by the submitters: PubMed 25640679; PubMed 18836446; PubMed 20333770; PubMed 30543658.